The following is an entry in ClinVar:

ClinVar aggregate classification (germline): Conflicting classifications of pathogenicity. Review status: criteria provided, conflicting classifications (1 of 4 stars). 9 submissions from 9 submitters: Uncertain significance (3); Benign (1); Likely benign (5). Last evaluated 2026-07-02.

Conditions:
TTN-related disorder. Also called: TTN-related condition; TTN-related disease; TTN-related disorders.
Cardiovascular phenotype. Identifiers: MedGen CN230736.
Dilated cardiomyopathy 1G (CMD1G). Identifiers: Orphanet 154, MedGen C1858763, MONDO:0011400, OMIM 604145.
Autosomal recessive limb-girdle muscular dystrophy type 2J (LGMDR10). Also called: Limb-girdle muscular dystrophy, type 2J; MUSCULAR DYSTROPHY, LIMB-GIRDLE, AUTOSOMAL RECESSIVE 10. Identifiers: Orphanet 140922, MedGen C1837342, MONDO:0012127, OMIM 608807.

Allele frequency attached by ClinVar (database versions not stated): gnomAD exomes 0.00005 and 0.00012; ExAC 0.00007; 1000 Genomes Project 30x 0.00016; ESP Exome Variant Server 0.00017; 1000 Genomes Project 0.00020; gnomAD 0.00048 and 0.00053; TOPMed 0.00055.
gnomAD v4.1: 148 of 1,613,890 alleles (0.0092%); highest among the groups gnomAD compares: African/African-American, 0.18%; no homozygotes.

Submissions (9):

PreventionGenetics, part of Exact Sciences
Classification: Likely benign for TTN-related condition. Last evaluated: 2026-07-02. Review status: criteria provided, single submitter. Criteria: ACMG Guidelines, 2015. Collection method: clinical testing. Allele origin: germline.
Comment: This variant is classified as likely benign based on ACMG/AMP sequence variant interpretation guidelines (Richards et al. 2015 PMID: 25741868, with internal and published modifications).

Molecular Diagnostic Laboratory for Inherited Cardiovascular Disease, Montreal Heart Institute
Classification: Benign. Last evaluated: 2025-04-09. Review status: criteria provided, single submitter. Criteria: ACMG Guidelines, 2015. Collection method: clinical testing. Allele origin: germline. Affected: no.
Comment: BS1;BP1BP6

Athena Diagnostics
Classification: Likely benign. Last evaluated: 2024-10-31. Review status: criteria provided, single submitter. Criteria: Athena Diagnostics Criteria. Collection method: clinical testing. Allele origin: unknown.

Revvity Omics, Revvity
Classification: Uncertain significance. Last evaluated: 2023-08-30. Review status: criteria provided, single submitter. Criteria: ACMG Guidelines, 2015. Collection method: clinical testing. Allele origin: germline.

Women's Health and Genetics/Laboratory Corporation of America, LabCorp
Classification: Likely benign. Last evaluated: 2022-02-07. Review status: criteria provided, single submitter. Criteria: LabCorp Variant Classification Summary - May 2015. Collection method: clinical testing. Allele origin: germline.
Comment: Variant summary: TTN c.94953T>A (p.Ser31651Arg) results in a non-conservative amino acid change located in the M-band region of the encoded protein sequence. Four of five in-silico tools predict a damaging effect of the variant on protein function. The variant allele was found at a frequency of 0.00012 in 248982 control chromosomes, predominantly at a frequency of 0.0017 within the African or African-American subpopulation in the gnomAD database. The observed variant frequency within African or African-American control individuals in the gnomAD database is approximately 4 fold of the estimated maximal expected allele frequency for a pathogenic variant in TTN causing Dilated Cardiomyopathy phenotype (0.00039), strongly suggesting that the variant is a benign polymorphism found primarily in populations of African or African-American origin. To our knowledge, no occurrence of c.94953T>A in individuals affected with Dilated Cardiomyopathy/Limb Girdle Muscular Dystrophy or other TTN-related disorders and no experimental evidence demonstrating its impact on protein function have been reported. Three clinical diagnostic laboratories have submitted clinical-significance assessments for this variant to ClinVar after 2014 without evidence for independent evaluation (Likely Benign, n=2; VUS, n=2). Based on the evidence outlined above, the variant was classified as likely benign.

GeneDx
Classification: Likely benign. Last evaluated: 2021-06-04. Review status: criteria provided, single submitter. Criteria: GeneDx Variant Classification Process June 2021. Collection method: clinical testing. Allele origin: germline. Affected: yes.

Ambry Genetics
Classification: Likely benign for Cardiovascular phenotype. Last evaluated: 2020-06-09. Review status: criteria provided, single submitter. Criteria: Ambry Variant Classification Scheme 2023. Collection method: clinical testing. Allele origin: germline.

Eurofins Ntd Llc (ga)
Classification: Uncertain significance. Last evaluated: 2018-09-11. Review status: criteria provided, single submitter. Criteria: EGL ClinVar v180209 classification definitions. Collection method: clinical testing. Allele origin: germline. Observed: 5 variant alleles, 5 heterozygotes.

Labcorp Genetics (formerly Invitae), Labcorp
Classification: Uncertain significance for Dilated cardiomyopathy 1G; Autosomal recessive limb-girdle muscular dystrophy type 2J. Last evaluated: 2017-11-06. Review status: criteria provided, single submitter. Criteria: Invitae Variant Classification Sherloc (09022015). Collection method: clinical testing. Allele origin: germline.

NM_001267550.2(TTN):c.102657T>A (p.Ser34219Arg)

Genes: TTN (titin; minus strand), TTN-AS1 (TTN antisense RNA 1; plus strand). Cytogenetic location: 2q31.2.
Variant type: single nucleotide variant.
Coding change: c.102657T>A on transcript NM_001267550.2 (MANE Select); coding-DNA position 102657, T replaced by A.
Protein change: p.Ser34219Arg; replaces serine 34219 with arginine.
Molecular consequence: missense variant.
Genome position (GRCh38, 1-based): chr2:178,533,958, A>T on the plus strand (T>A on the coding strand, the complement: TTN is on the minus strand). VCF-style: chr2-178533958-A-T. GRCh37 (hg19) VCF-style: chr2-179398685-A-T.
Other names: p.S32578R:AGT>AGA; c.97734T>A, p.Ser32578Arg (NM_001256850.1); c.75462T>A, p.Ser25154Arg (NM_003319.4); c.94953T>A, p.Ser31651Arg (NM_133378.4); c.75837T>A, p.Ser25279Arg (NM_133432.3); c.76038T>A, p.Ser25346Arg (NM_133437.4); c.102657T>A (NM_001267550.1); short protein forms S32578R, S34219R, S31651R, S25346R, S25279R, S25154R.
Identifiers: ClinVar variation 203067 (VCV000203067.19), dbSNP rs370077023, ClinGen allele CA311139.